The following is an entry in ClinVar:

NM_000048.4(ASL):c.767T>C (p.Met256Thr)

Gene: ASL (argininosuccinate lyase; plus strand). Cytogenetic location: 7q11.21.
Variant type: single nucleotide variant.
Coding change: c.767T>C on transcript NM_000048.4 (MANE Select); coding-DNA position 767, T replaced by C.
Protein change: p.Met256Thr; replaces methionine 256 with threonine.
Molecular consequence: missense variant.
Genome position (GRCh38, 1-based): chr7:66,088,855, T>C. VCF-style: chr7-66088855-T-C. GRCh37 (hg19) VCF-style: chr7-65553842-T-C.
Other names: c.767T>C (NM_000048.3); c.767T>C, p.Met256Thr (NM_001024943.2, NM_001024944.2); c.689T>C, p.Met230Thr (NM_001024946.2); short protein forms M230T, M256T.
Identifiers: ClinVar variation 2066939 (VCV002066939.7), dbSNP rs149057077, ClinGen allele CA4277127.
Genomic context (GRCh38, chr7:66,088,855, plus strand): 5'-CTTTTCTCCCAGCCGAGTTCCTGTTCTGGGCTTCGCTGTGCATGACCCATCTCAGCAGGA[T>C]GGCCGAGGACCTCATCCTCTACTGCACCAAGGAATTCAGCTTCGTGCAGCTCTCAGATGC-3'
Protein context (NP_000039.2, residues 246-266): ASLCMTHLSR[Met256Thr]AEDLILYCTK

ClinVar aggregate classification (germline): Conflicting classifications of pathogenicity. Review status: criteria provided, conflicting classifications (1 of 4 stars). 3 submissions from 3 submitters: Pathogenic (1); Likely pathogenic (1); Uncertain significance (1). Last evaluated 2026-07-23.

Conditions:
Argininosuccinate lyase deficiency. Also called: ARGININOSUCCINIC ACID LYASE DEFICIENCY; ASL DEFICIENCY; Argininosuccinic aciduria. Identifiers: Orphanet 23, MedGen C0268547, MONDO:0008815, OMIM 207900, HP:0025630.

Allele frequency attached by ClinVar (database versions not stated): gnomAD 0.00002; TOPMed 0.00002; gnomAD exomes 0.00003; ExAC 0.00004; ESP Exome Variant Server 0.00008.
gnomAD v4.1: 54 of 1,613,924 alleles (0.0033%); highest among the groups gnomAD compares: Non-Finnish European, 0.0044%; no homozygotes.

Submissions (3):

Myriad Genetics, Inc.
Classification: Uncertain significance for Argininosuccinate lyase deficiency. Last evaluated: 2026-07-23. Review status: criteria provided, single submitter. Criteria: Myriad Autosomal Dominant, Autosomal Recessive and X-Linked Classification Criteria (2023). Collection method: clinical testing. Allele origin: unknown.
Comment: NM_001024943.1(ASL):c.767T>C(M256T) is a missense variant classified as a variant of uncertain significance in the context of argininosuccinic aciduria. M256T has been observed in a case with relevant disease (PMID: 24166829). Relevant functional assessments of this variant are not available in the literature. M256T has been observed in referenced population frequency databases. In summary, there is insufficient evidence to classify NM_001024943.1(ASL):c.767T>C(M256T) as pathogenic or benign. Please note: this variant was assessed in the context of healthy population screening.

Women's Health and Genetics/Laboratory Corporation of America, LabCorp
Classification: Likely pathogenic for Argininosuccinate lyase deficiency. Last evaluated: 2025-08-22. Review status: criteria provided, single submitter. Criteria: LabCorp Variant Classification Summary - May 2015. Collection method: clinical testing. Allele origin: germline.
Comment: Variant summary: ASL c.767T>C (p.Met256Thr) results in a non-conservative amino acid change in the encoded protein sequence. Algorithms developed to predict the effect of missense changes on protein structure and function all suggest that this variant is likely to be disruptive. The variant allele was found at a frequency of 2e-05 in 251122 control chromosomes. c.767T>C has been observed in the presumed compound heterozygous state in multiple individual(s) affected with clinical features of or newborn screening positive for Argininosuccinic Aciduria (example, Balmer_2014, Zielonka_2020, internal data). These data indicate that the variant may be associated with disease. At least one publication reports experimental evidence evaluating an impact on protein function. The most pronounced variant effect results in 30%-50% of normal activity in vitro (example, Zielonka_2020). The following publications have been ascertained in the context of this evaluation (PMID: 24166829, 31943503). ClinVar contains an entry for this variant (Variation ID: 2066939). Based on the evidence outlined above, the variant was classified as likely pathogenic.

Labcorp Genetics (formerly Invitae), Labcorp
Classification: Pathogenic for Argininosuccinate lyase deficiency. Last evaluated: 2025-07-29. Review status: criteria provided, single submitter. Criteria: Invitae Variant Classification Sherloc (09022015). Collection method: clinical testing. Allele origin: germline.
Comment: This sequence change replaces methionine, which is neutral and non-polar, with threonine, which is neutral and polar, at codon 256 of the ASL protein (p.Met256Thr). This variant is present in population databases (rs149057077, gnomAD 0.004%). This missense change has been observed in individual(s) with clinical features of argininosuccinate lyase deficiency (PMID: 24166829; internal data). ClinVar contains an entry for this variant (Variation ID: 2066939). Invitae Evidence Modeling of protein sequence and biophysical properties (such as structural, functional, and spatial information, amino acid conservation, physicochemical variation, residue mobility, and thermodynamic stability) indicates that this missense variant is expected to disrupt ASL protein function with a positive predictive value of 95%. For these reasons, this variant has been classified as Pathogenic.

Literature cited by the submitters: PubMed 24166829 (cited by 3 submitters); PubMed 31943503 (cited by Women's Health and Genetics/Laboratory Corporation of America, LabCorp).